The following is an entry in ClinVar:

NM_000081.4(LYST):c.2364-16dup

Gene: LYST (lysosomal trafficking regulator; minus strand). Cytogenetic location: 1q42.3.
Variant type: Duplication.
Coding change: c.2364-16dup on transcript NM_000081.4 (MANE Select); 16 bases into the intron before coding-DNA position 2364, one base duplicated (T; older notation c.2364-16dupT).
Molecular consequence: intron variant.
Genome position (GRCh38, 1-based): chr1:235,806,782, A duplicated on the plus strand (T on the coding strand, the reverse complement: LYST is on the minus strand); the first of 7 consecutive A bases (chr1:235,806,782-235,806,788); duplicating any one gives the same sequence. VCF-style (leftmost placement, unchanged base first): chr1-235806781-G-GA. GRCh37 (hg19) VCF-style: chr1-235970081-G-GA.
Other names: p.?; c.2364-16dup (NM_001301365.1); c.2364-10dup (NM_000081.4).
Identifiers: ClinVar variation 1167571 (VCV001167571.11), dbSNP rs781369453, ClinGen allele CA1467287.

ClinVar aggregate classification (germline): Benign/Likely benign. Review status: criteria provided, multiple submitters, no conflicts (2 of 4 stars). 3 submissions from 3 submitters: Benign (1); Likely benign (2). Last evaluated 2026-01-11.

Conditions:
Chédiak-Higashi syndrome (CHS). Also called: Chediak-Higashi Syndrome. Identifiers: Orphanet 167, MedGen C0007965, MONDO:0008963, OMIM 214500.

Submissions (3):

Labcorp Genetics (formerly Invitae), Labcorp
Classification: Benign for Chédiak-Higashi syndrome. Last evaluated: 2026-01-11. Review status: criteria provided, single submitter. Criteria: Invitae Variant Classification Sherloc (09022015). Collection method: clinical testing. Allele origin: germline.

Mayo Clinic Laboratories, Mayo Clinic
Classification: Likely benign. Last evaluated: 2025-10-23. Review status: criteria provided, single submitter. Criteria: ACMG Guidelines, 2015. Collection method: clinical testing. Allele origin: germline. Observed: 1 variant allele.
Comment: BP4, BP7, PM2_supporting

Blueprint Genetics
Classification: Likely benign. Last evaluated: 2021-06-29. Review status: criteria provided, single submitter. Criteria: ACMG Guidelines, 2015. Collection method: clinical testing. Allele origin: germline.